The following is an entry in ClinVar:

ClinVar aggregate classification (germline): Uncertain significance. Review status: criteria provided, multiple submitters, no conflicts (2 of 4 stars). 4 submissions from 4 submitters: Uncertain significance (4). Last evaluated 2026-02-02.

Conditions:
Hereditary cancer-predisposing syndrome. Also called: Neoplastic Syndromes, Hereditary; Hereditary Cancer Syndrome; Hereditary neoplastic syndrome; Tumor predisposition. Identifiers: Orphanet 140162, MedGen C0027672, MeSH D009386, MONDO:0015356.

Allele frequency attached by ClinVar (database versions not stated): gnomAD 0.00001.
gnomAD v4.1: 10 of 1,609,400 alleles (0.00062%); highest among the groups gnomAD compares: Non-Finnish European, 0.00085%; no homozygotes.

Submissions (4):

Labcorp Genetics (formerly Invitae), Labcorp
Classification: Uncertain significance. Last evaluated: 2026-02-02. Review status: criteria provided, single submitter. Criteria: Invitae Variant Classification Sherloc (09022015). Collection method: clinical testing. Allele origin: germline.
Comment: This sequence change replaces arginine, which is basic and polar, with cysteine, which is neutral and slightly polar, at codon 712 of the POLE protein (p.Arg712Cys). The frequency data for this variant in the population databases is considered unreliable, as metrics indicate poor data quality at this position in the gnomAD database. This variant has not been reported in the literature in individuals affected with POLE-related conditions. ClinVar contains an entry for this variant (Variation ID: 540648). Invitae Evidence Modeling of protein sequence and biophysical properties (such as structural, functional, and spatial information, amino acid conservation, physicochemical variation, residue mobility, and thermodynamic stability) indicates that this missense variant is not expected to disrupt POLE protein function with a negative predictive value of 80%. In summary, the available evidence is currently insufficient to determine the role of this variant in disease. Therefore, it has been classified as a Variant of Uncertain Significance.

Ambry Genetics
Classification: Uncertain significance for Hereditary cancer-predisposing syndrome. Last evaluated: 2024-02-22. Review status: criteria provided, single submitter. Criteria: Ambry Variant Classification Scheme 2023. Collection method: clinical testing. Allele origin: germline.
Comment: The p.R712C variant (also known as c.2134C>T), located in coding exon 19 of the POLE gene, results from a C to T substitution at nucleotide position 2134. The arginine at codon 712 is replaced by cysteine, an amino acid with highly dissimilar properties. This amino acid position is conserved. In addition, the in silico prediction for this alteration is inconclusive. Since supporting evidence is limited at this time, the clinical significance of this alteration remains unclear.

Mayo Clinic Laboratories, Mayo Clinic
Classification: Uncertain significance. Last evaluated: 2022-12-07. Review status: criteria provided, single submitter. Criteria: ACMG Guidelines, 2015. Collection method: clinical testing. Allele origin: germline. Observed: 1 variant allele.
Comment: PM2

GeneDx
Classification: Uncertain significance. Last evaluated: 2022-07-06. Review status: criteria provided, single submitter. Criteria: GeneDx Variant Classification Process June 2021. Collection method: clinical testing. Allele origin: germline. Affected: yes.
Comment: Not observed at a significant frequency in large population cohorts (gnomAD); In silico analysis supports that this missense variant has a deleterious effect on protein structure/function; Has not been previously published as a germline pathogenic or benign variant to our knowledge; This variant is associated with the following publications: (PMID: 29056344, 20951805)

NM_006231.4(POLE):c.2134C>T (p.Arg712Cys)

Gene: POLE (DNA polymerase epsilon, catalytic subunit; minus strand). Cytogenetic location: 12q24.33.
Variant type: single nucleotide variant.
Coding change: c.2134C>T on transcript NM_006231.4 (MANE Select); coding-DNA position 2134, C replaced by T.
Protein change: p.Arg712Cys; replaces arginine 712 with cysteine.
Molecular consequence: missense variant.
Genome position (GRCh38, 1-based): chr12:132,668,395, G>A on the plus strand (C>T on the coding strand, the complement: POLE is on the minus strand). VCF-style: chr12-132668395-G-A. GRCh37 (hg19) VCF-style: chr12-133244981-G-A.
Other names: p.Arg712Cys; short protein forms R712C.
Identifiers: ClinVar variation 540648 (VCV000540648.15), dbSNP rs749194160, ClinGen allele CA6893671.